The following is an entry in ClinVar:

NM_004304.5(ALK):c.788-2A>G

Gene: ALK (ALK receptor tyrosine kinase; minus strand). Cytogenetic location: 2p23.2.
Variant type: single nucleotide variant.
Coding change: c.788-2A>G on transcript NM_004304.5 (MANE Select); the canonical splice acceptor site of the intron before coding-DNA position 788, A replaced by G.
Molecular consequence: splice acceptor variant.
Genome position (GRCh38, 1-based): chr2:29,695,016, T>C on the plus strand (A>G on the coding strand, the complement: ALK is on the minus strand). VCF-style: chr2-29695016-T-C. GRCh37 (hg19) VCF-style: chr2-29917882-T-C.
Identifiers: ClinVar variation 864325 (VCV000864325.10), dbSNP rs1678513810, ClinGen allele CA346587153.
Genomic context (GRCh38, chr2:29,695,016, plus strand): 5'-GTCATGCAGTGGAGGGGAATACTCCAGCTCACAGGGGAAGTCAAAGCTGCACTCCAGACC[T>C]GCAATAATAGCCAAGGGTCAATGGAAAAAACCATTTCCCAAACGTGACTTTTCAGCCCCC-3'

ClinVar aggregate classification (germline): Uncertain significance. Review status: criteria provided, multiple submitters, no conflicts (2 of 4 stars). 3 submissions from 3 submitters: Uncertain significance (3). Last evaluated 2026-08-10.

Conditions:
Hereditary cancer-predisposing syndrome. Also called: Tumor predisposition; Hereditary neoplastic syndrome; Neoplastic Syndromes, Hereditary; Hereditary Cancer Syndrome. Identifiers: Orphanet 140162, MedGen C0027672, MeSH D009386, MONDO:0015356.
Neuroblastoma, susceptibility to, 3. Also called: ALK-Related Neuroblastic Tumor Susceptibility. Identifiers: Orphanet 635, MedGen C2751681, MONDO:0013083, OMIM 613014.

gnomAD v4.1: 1 of 1,614,028 alleles (0.000062%); no homozygotes.

Submissions (3):

Ambry Genetics
Classification: Uncertain significance for Hereditary cancer-predisposing syndrome. Last evaluated: 2026-08-10. Review status: criteria provided, single submitter. Criteria: Ambry Variant Classification Scheme 2023. Collection method: clinical testing. Allele origin: germline.
Comment: The c.788-2A>G intronic variant results from an A to G substitution two nucleotides upstream from coding exon 3 in the ALK gene. Variants that disrupt the canonical splice site are expected to result in aberrant splicing. In silico splice site analysis predicts that this alteration will weaken the native splice acceptor site. A resulting transcript is predicted to be in-frame and is not expected to trigger nonsense-mediated mRNAdecay; although, direct evidence is unavailable. In addition, loss of function has not been established as a mechanism of disease. This nucleotide position is highly conserved in available vertebrate species. Based on the available evidence, the clinical significance of this variant remains unclear.

Blueprint Genetics
Classification: Uncertain significance. Last evaluated: 2023-08-11. Review status: criteria provided, single submitter. Criteria: ACMG Guidelines, 2015. Collection method: clinical testing. Allele origin: germline.

Labcorp Genetics (formerly Invitae), Labcorp
Classification: Uncertain significance for Neuroblastoma, susceptibility to, 3. Last evaluated: 2023-03-18. Review status: criteria provided, single submitter. Criteria: Invitae Variant Classification Sherloc (09022015). Collection method: clinical testing. Allele origin: germline.
Comment: In summary, the available evidence is currently insufficient to determine the role of this variant in disease. Therefore, it has been classified as a Variant of Uncertain Significance. Algorithms developed to predict the effect of sequence changes on RNA splicing suggest that this variant may disrupt the consensus splice site. ClinVar contains an entry for this variant (Variation ID: 864325). This variant has not been reported in the literature in individuals affected with ALK-related conditions. This variant is not present in population databases (gnomAD no frequency). This sequence change affects an acceptor splice site in intron 2 of the ALK gene. It is expected to disrupt RNA splicing. Variants that disrupt the donor or acceptor splice site typically lead to a loss of protein function (PMID: 16199547), however the current clinical and genetic evidence is not sufficient to establish whether loss-of-function variants in ALK cause disease.

Literature cited by the submitters: PubMed 16199547 (cited by Labcorp Genetics (formerly Invitae), Labcorp).